The following is an entry in ClinVar:

NM_001177316.2(SLC34A3):c.242G>A (p.Gly81Asp)

Gene: SLC34A3 (solute carrier family 34 member 3; plus strand). Cytogenetic location: 9q34.3.
Variant type: single nucleotide variant.
Coding change: c.242G>A on transcript NM_001177316.2 (MANE Select); coding-DNA position 242, G replaced by A.
Protein change: p.Gly81Asp; replaces glycine 81 with aspartic acid.
Molecular consequence: missense variant.
Genome position (GRCh38, 1-based): chr9:137,232,641, G>A. VCF-style: chr9-137232641-G-A. GRCh37 (hg19) VCF-style: chr9-140127093-G-A.
Other names: c.242G>A, p.Gly81Asp (NM_001177317.2, NM_080877.3); c.242G>A (NM_080877.2); short protein forms G81D.
Identifiers: ClinVar variation 1658779 (VCV001658779.15), dbSNP rs201273897, ClinGen allele CA5364293.
Genomic context (GRCh38, chr9:137,232,641, plus strand): 5'-GCGTGGCCGGCAGGCTGCGCCGCGTGGCCGGCAGCGTCCTCAAGGCCTGCGGGCTCCTCG[G>A]CAGCCTGTACTTCTTCATCTGCTCTCTGGACGTCCTCAGCTCCGCCTTCCAGCTGCTGGG-3'
Protein context (NP_001170787.2, residues 71-91): GSVLKACGLL[Gly81Asp]SLYFFICSLD

ClinVar aggregate classification (germline): Conflicting classifications of pathogenicity. Review status: criteria provided, conflicting classifications (1 of 4 stars). 7 submissions from 7 submitters: Uncertain significance (4); Likely benign (3). Last evaluated 2026-07-07.

Conditions:
Inborn genetic diseases. Identifiers: MedGen C0950123, MeSH D030342.
SLC34A3-related disorder. Also called: SLC34A3-related condition.
Autosomal recessive hypophosphatemic bone disease (HHRH). Also called: HYPERCALCIURIC RICKETS; Hypophosphatemic rickets with hypercalciuria. Identifiers: Orphanet 157215, MedGen C1853271, MONDO:0009431, OMIM 241530.

Allele frequency attached by ClinVar (database versions not stated): gnomAD exomes 0.00008 and 0.00018; gnomAD 0.00011; TOPMed 0.00011; ESP Exome Variant Server 0.00015; ExAC 0.00016.
gnomAD v4.1: 140 of 1,612,588 alleles (0.0087%); highest among the groups gnomAD compares: Admixed American, 0.0017%; no homozygotes.

Submissions (7):

PreventionGenetics, part of Exact Sciences
Classification: Likely benign for SLC34A3-related condition. Last evaluated: 2026-07-07. Review status: criteria provided, single submitter. Criteria: ACMG Guidelines, 2015. Collection method: clinical testing. Allele origin: germline.
Comment: This variant is classified as likely benign based on ACMG/AMP sequence variant interpretation guidelines (Richards et al. 2015 PMID: 25741868, with internal and published modifications).

Labcorp Genetics (formerly Invitae), Labcorp
Classification: Likely benign. Last evaluated: 2026-02-04. Review status: criteria provided, single submitter. Criteria: Invitae Variant Classification Sherloc (09022015). Collection method: clinical testing. Allele origin: germline.

Rare Kidney Stone Consortium and the Mayo Clinic Hyperoxaluria Center, Mayo Clinic
Classification: Uncertain significance for Autosomal recessive hypophosphatemic bone disease. Last evaluated: 2025-10-03. Review status: criteria provided, single submitter. Criteria: ACMG Guidelines, 2015. Collection method: research. Allele origin: germline. Observed: 1 variant allele.
Comment: ACMG:PM1

GeneDx
Classification: Uncertain significance. Last evaluated: 2025-03-05. Review status: criteria provided, single submitter. Criteria: GeneDx Variant Classification Process June 2021. Collection method: clinical testing. Allele origin: germline. Affected: yes.
Comment: In silico analysis supports that this missense variant has a deleterious effect on protein structure/function; Has not been previously published as pathogenic or benign to our knowledge

Fulgent Genetics
Classification: Likely benign for Autosomal recessive hypophosphatemic bone disease. Last evaluated: 2024-02-28. Review status: criteria provided, single submitter. Criteria: ACMG Guidelines, 2015. Collection method: clinical testing. Allele origin: germline.

Ambry Genetics
Classification: Uncertain significance for Inborn genetic diseases. Last evaluated: 2023-01-09. Review status: criteria provided, single submitter. Criteria: Ambry Variant Classification Scheme 2023. Collection method: clinical testing. Allele origin: germline.

Blueprint Genetics
Classification: Uncertain significance. Last evaluated: 2021-09-07. Review status: criteria provided, single submitter. Criteria: ACMG Guidelines, 2015. Collection method: clinical testing. Allele origin: germline.

Literature cited by the submitters: PubMed 40794449 (cited by Rare Kidney Stone Consortium and the Mayo Clinic Hyperoxaluria Center, Mayo Clinic).